The following is an entry in ClinVar:

ClinVar aggregate classification (germline): Uncertain significance (1 of 4 stars; one submission).

Conditions:
Gorlin syndrome. Also called: Basal cell nevus syndrome; Nevoid Basal Cell Carcinoma Syndrome. Identifiers: Orphanet 377, MedGen C0004779, MONDO:0007187.

Allele frequency attached by ClinVar (database versions not stated): gnomAD exomes 0.00001; ExAC 0.00002.
gnomAD v4.1: 13 of 1,609,274 alleles (0.00081%); highest among the groups gnomAD compares: South Asian, 0.013%; no homozygotes.

Submission:

Labcorp Genetics (formerly Invitae), Labcorp
Classification: Uncertain significance for Gorlin syndrome. Last evaluated: 2018-07-02. Review status: criteria provided, single submitter. Criteria: Invitae Variant Classification Sherloc (09022015). Collection method: clinical testing. Allele origin: germline.
Comment: In summary, the available evidence is currently insufficient to determine the role of this variant in disease. Therefore, it has been classified as a Variant of Uncertain Significance. This sequence change replaces alanine with proline at codon 463 of the PTCH2 protein (p.Ala463Pro). The alanine residue is highly conserved and there is a small physicochemical difference between alanine and proline. This variant is present in population databases (rs767529534, ExAC 0.009%). This variant has not been reported in the literature in individuals with PTCH2-related disease. Algorithms developed to predict the effect of missense changes on protein structure and function are either unavailable or do not agree on the potential impact of this missense change (SIFT: "Deleterious"; PolyPhen-2: "Probably Damaging"; Align-GVGD: "Class C0").

NM_003738.5(PTCH2):c.1387G>C (p.Ala463Pro)

Gene: PTCH2 (patched 2; minus strand). Cytogenetic location: 1p34.1.
Variant type: single nucleotide variant.
Coding change: c.1387G>C on transcript NM_003738.5 (MANE Select); coding-DNA position 1387, G replaced by C.
Protein change: p.Ala463Pro; replaces alanine 463 with proline.
Molecular consequence: missense variant.
Genome position (GRCh38, 1-based): chr1:44,829,059, C>G on the plus strand (G>C on the coding strand, the complement: PTCH2 is on the minus strand). VCF-style: chr1-44829059-C-G. GRCh37 (hg19) VCF-style: chr1-45294731-C-G.
Other names: c.1387G>C, p.Ala463Pro (NM_001166292.2); short protein forms A463P.
Identifiers: ClinVar variation 644300 (VCV000644300.9), dbSNP rs767529534, ClinGen allele CA823322.